The following is an entry in ClinVar:

ClinVar aggregate classification (germline): Benign/Likely benign. Review status: criteria provided, multiple submitters, no conflicts (2 of 4 stars). 3 submissions from 3 submitters: Benign (1); Likely benign (2). Last evaluated 2025-09-09.

Conditions:
Hereditary cancer-predisposing syndrome. Also called: Hereditary neoplastic syndrome; Neoplastic Syndromes, Hereditary; Tumor predisposition; Hereditary Cancer Syndrome. Identifiers: Orphanet 140162, MedGen C0027672, MeSH D009386, MONDO:0015356.
Hereditary diffuse gastric adenocarcinoma (HDGC). Also called: DIFFUSE GASTRIC AND LOBULAR BREAST CANCER SYNDROME. Identifiers: Orphanet 26106, MedGen C1708349, MONDO:0007648, OMIM 137215.

Submissions (3):

Labcorp Genetics (formerly Invitae), Labcorp
Classification: Likely benign for Hereditary diffuse gastric adenocarcinoma. Last evaluated: 2025-09-09. Review status: criteria provided, single submitter. Criteria: Invitae Variant Classification Sherloc (09022015). Collection method: clinical testing. Allele origin: germline.

Myriad Genetics, Inc.
Classification: Benign for Hereditary diffuse gastric adenocarcinoma. Last evaluated: 2024-09-12. Review status: criteria provided, single submitter. Criteria: Myriad Autosomal Dominant, Autosomal Recessive and X-Linked Classification Criteria (2023). Collection method: clinical testing. Allele origin: unknown.
Comment: This variant is considered benign. This variant is a silent/synonymous amino acid change and it is not expected to impact splicing.

Ambry Genetics
Classification: Likely benign for Hereditary cancer-predisposing syndrome. Last evaluated: 2016-10-30. Review status: criteria provided, single submitter. Criteria: Ambry Variant Classification Scheme 2023. Collection method: clinical testing. Allele origin: germline.

NM_004360.5(CDH1):c.346C>T (p.Leu116=)

Gene: CDH1 (cadherin 1; plus strand). Cytogenetic location: 16q22.1.
Variant type: single nucleotide variant.
Coding change: c.346C>T on transcript NM_004360.5 (MANE Select); coding-DNA position 346, C replaced by T.
Protein change: p.Leu116=; no amino-acid change (leucine 116 retained).
Molecular consequence: synonymous variant. On other transcripts: 5 prime UTR variant (2).
Genome position (GRCh38, 1-based): chr16:68,801,852, C>T. VCF-style: chr16-68801852-C-T. GRCh37 (hg19) VCF-style: chr16-68835755-C-T.
Other names: c.346C>T (LRG_301t1); c.346C>T, p.Leu116= (NM_001317184.2); c.-1270C>T (NM_001317185.2); c.-1474C>T (NM_001317186.2).
Identifiers: ClinVar variation 483250 (VCV000483250.11), dbSNP rs1555514474, ClinGen allele CA496152694.